The following is an entry in ClinVar:

NM_001172509.2(SATB2):c.1060A>G (p.Thr354Ala)

Gene: SATB2 (SATB homeobox 2; minus strand). Cytogenetic location: 2q33.1.
Variant type: single nucleotide variant.
Coding change: c.1060A>G on transcript NM_001172509.2 (MANE Select); coding-DNA position 1060, A replaced by G.
Protein change: p.Thr354Ala; replaces threonine 354 with alanine.
Molecular consequence: missense variant.
Genome position (GRCh38, 1-based): chr2:199,348,814, T>C on the plus strand (A>G on the coding strand, the complement: SATB2 is on the minus strand). VCF-style: chr2-199348814-T-C. GRCh37 (hg19) VCF-style: chr2-200213537-T-C.
Other names: c.1060A>G, p.Thr354Ala (NM_001172517.1, NM_015265.4); c.1060A>G (NM_015265.3); short protein forms T354A.
Identifiers: ClinVar variation 1465950 (VCV001465950.9), dbSNP rs764552856, ClinGen allele CA2045975.

ClinVar aggregate classification (germline): Conflicting classifications of pathogenicity. Review status: criteria provided, conflicting classifications (1 of 4 stars). 2 submissions from 2 submitters: Uncertain significance (1); Likely benign (1). Last evaluated 2026-01-05.

Conditions:
Inborn genetic diseases. Identifiers: MedGen C0950123, MeSH D030342.
Chromosome 2q32-q33 deletion syndrome (GLASS). Also called: 2q33.1 deletion syndrome; Glass syndrome. Identifiers: Orphanet 251019, MedGen C2676739, MONDO:0012864, OMIM 612313.

Allele frequency attached by ClinVar (database versions not stated): gnomAD exomes below 0.00001 and 0.00002; TOPMed 0.00001; ExAC 0.00002.
gnomAD v4.1: 2 of 1,613,196 alleles (0.00012%); highest among the groups gnomAD compares: Non-Finnish European, 0.000085%; no homozygotes.

Submissions (2):

Labcorp Genetics (formerly Invitae), Labcorp
Classification: Uncertain significance for Chromosome 2q32-q33 deletion syndrome. Last evaluated: 2026-01-05. Review status: criteria provided, single submitter. Criteria: Invitae Variant Classification Sherloc (09022015). Collection method: clinical testing. Allele origin: germline.
Comment: This sequence change replaces threonine, which is neutral and polar, with alanine, which is neutral and non-polar, at codon 354 of the SATB2 protein (p.Thr354Ala). This variant is present in population databases (rs764552856, gnomAD 0.005%). This variant has not been reported in the literature in individuals affected with SATB2-related conditions. ClinVar contains an entry for this variant (Variation ID: 1465950). Invitae Evidence Modeling of protein sequence and biophysical properties (such as structural, functional, and spatial information, amino acid conservation, physicochemical variation, residue mobility, and thermodynamic stability) indicates that this missense variant is not expected to disrupt SATB2 protein function with a negative predictive value of 80%. In summary, the available evidence is currently insufficient to determine the role of this variant in disease. Therefore, it has been classified as a Variant of Uncertain Significance.

Ambry Genetics
Classification: Likely benign for Inborn genetic diseases. Last evaluated: 2025-10-22. Review status: criteria provided, single submitter. Criteria: Ambry Variant Classification Scheme 2023. Collection method: clinical testing. Allele origin: germline.